The following is an entry in ClinVar:

NM_000755.5(CRAT):c.541C>T (p.Arg181Ter)

Gene: CRAT (carnitine O-acetyltransferase; minus strand). Cytogenetic location: 9q34.11.
Variant type: single nucleotide variant.
Coding change: c.541C>T on transcript NM_000755.5 (MANE Select); coding-DNA position 541, C replaced by T.
Protein change: p.Arg181Ter; replaces arginine 181 with a stop codon.
Molecular consequence: nonsense.
Genome position (GRCh38, 1-based): chr9:129,102,489, G>A on the plus strand (C>T on the coding strand, the complement: CRAT is on the minus strand). VCF-style: chr9-129102489-G-A. GRCh37 (hg19) VCF-style: chr9-131864768-G-A.
Other names: c.478C>T, p.Arg160Ter (NM_001257363.3, NM_001346548.2, NM_004003.4); c.544C>T, p.Arg182Ter (NM_001346546.2); c.541C>T, p.Arg181Ter (NM_001346547.2); c.421C>T, p.Arg141Ter (NM_001346549.2); short protein forms R141*, R160*, R181*, R182*.
Identifiers: ClinVar variation 3617729 (VCV003617729.2).

ClinVar aggregate classification (germline): Uncertain significance (1 of 4 stars; one submission).

gnomAD v4.1: 15 of 1,614,136 alleles (0.00093%); highest among the groups gnomAD compares: South Asian, 0.0066%; no homozygotes.

Submission:

Labcorp Genetics (formerly Invitae), Labcorp
Classification: Uncertain significance. Last evaluated: 2026-01-05. Review status: criteria provided, single submitter. Criteria: Invitae Variant Classification Sherloc (09022015). Collection method: clinical testing. Allele origin: germline.
Comment: This sequence change creates a premature translational stop signal (p.Arg181*) in the CRAT gene. It is expected to result in an absent or disrupted protein product. However, the current clinical and genetic evidence is not sufficient to establish whether loss-of-function variants in CRAT cause disease. This variant is present in population databases (rs567401147, gnomAD 0.003%). This variant has not been reported in the literature in individuals affected with CRAT-related conditions. ClinVar contains an entry for this variant (Variation ID: 3617729). In summary, the available evidence is currently insufficient to determine the role of this variant in disease. Therefore, it has been classified as a Variant of Uncertain Significance.